The following is an entry in ClinVar:

NM_018979.4(WNK1):c.5576G>A (p.Arg1859Gln)

Gene: WNK1 (WNK lysine deficient protein kinase 1; plus strand). Cytogenetic location: 12p13.33.
Variant type: single nucleotide variant.
Coding change: c.5576G>A on transcript NM_018979.4 (MANE Select); coding-DNA position 5576, G replaced by A.
Protein change: p.Arg1859Gln; replaces arginine 1859 with glutamine.
Molecular consequence: missense variant.
Genome position (GRCh38, 1-based): chr12:894,628, G>A. VCF-style: chr12-894628-G-A. GRCh37 (hg19) VCF-style: chr12-1003794-G-A.
Other names: c.6356G>A, p.Arg2119Gln (NM_001184985.2); c.4832G>A, p.Arg1611Gln (NM_014823.3); c.6332G>A, p.Arg2111Gln (NM_213655.5); short protein forms R2111Q, R1611Q, R1859Q, R2119Q.
Identifiers: ClinVar variation 968098 (VCV000968098.9), dbSNP rs767293126, ClinGen allele CA6383232.

ClinVar aggregate classification (germline): Uncertain significance (1 of 4 stars; one submission).

Conditions:
Neuropathy, hereditary sensory and autonomic, type 2A (HSAN2A). Also called: ACROOSTEOLYSIS, GIACCAI TYPE; ACROOSTEOLYSIS, NEUROGENIC; WNK1-Related HSAN2 (HSAN2A); HSAN IIA; MORVAN DISEASE; NEUROPATHY, CONGENITAL SENSORY. Identifiers: Orphanet 970, MedGen C2752089, MONDO:0024309, OMIM 201300.
Pseudohypoaldosteronism type 2C (PHA2C). Also called: Pseudohypoaldosteronism Type IIC. Identifiers: Orphanet 757, Orphanet 88940, MedGen C1840391, MONDO:0013778, OMIM 614492.

Allele frequency attached by ClinVar (database versions not stated): gnomAD exomes below 0.00001 and 0.00001; TOPMed below 0.00001; ExAC 0.00001.
gnomAD v4.1: 7 of 1,613,878 alleles (0.00043%); highest among the groups gnomAD compares: South Asian, 0.0022%; no homozygotes.

Submission:

Labcorp Genetics (formerly Invitae), Labcorp
Classification: Uncertain significance for Neuropathy, hereditary sensory and autonomic, type 2A; Pseudohypoaldosteronism type 2C. Last evaluated: 2024-09-14. Review status: criteria provided, single submitter. Criteria: Invitae Variant Classification Sherloc (09022015). Collection method: clinical testing. Allele origin: germline.
Comment: This sequence change replaces arginine, which is basic and polar, with glutamine, which is neutral and polar, at codon 2111 of the WNK1 protein (p.Arg2111Gln). This variant is present in population databases (rs767293126, gnomAD 0.003%). This variant has not been reported in the literature in individuals affected with WNK1-related conditions. ClinVar contains an entry for this variant (Variation ID: 968098). Invitae Evidence Modeling of protein sequence and biophysical properties (such as structural, functional, and spatial information, amino acid conservation, physicochemical variation, residue mobility, and thermodynamic stability) indicates that this missense variant is not expected to disrupt WNK1 protein function with a negative predictive value of 95%. In summary, the available evidence is currently insufficient to determine the role of this variant in disease. Therefore, it has been classified as a Variant of Uncertain Significance.